The following is an entry in ClinVar:

ClinVar aggregate classification (germline): Likely pathogenic (1 of 4 stars; one submission).

Conditions:
Hereditary breast ovarian cancer syndrome. Also called: Hereditary breast and ovarian cancer syndrome; Hereditary breast and ovarian cancer syndrome (HBOC); Hereditary breast and/or ovarian cancer syndrome; Hereditary breast and ovarian cancer; Breast and ovarian cancer; BRCA1- and BRCA2-Associated Hereditary Breast and Ovarian Cancer. Identifiers: Orphanet 145, MedGen C0677776, MeSH D061325, MONDO:0003582. Disease mechanism: loss of function.

Submission:

Women's Health and Genetics/Laboratory Corporation of America, LabCorp
Classification: Likely pathogenic for Hereditary breast and ovarian cancer syndrome. Last evaluated: 2019-09-17. Review status: criteria provided, single submitter. Criteria: LabCorp Variant Classification Summary - May 2015. Collection method: clinical testing. Allele origin: germline.
Comment: Variant summary: BRCA1 c.2990_3971dup982 (p.Met1324IlefsX8) results in a premature termination codon, predicted to cause a truncation of the encoded protein or absence of the protein due to nonsense mediated decay, which are commonly known mechanisms for disease. Truncations downstream of this position have been classified as pathogenic by our laboratory. The frequency of this variant in the general population could not be determined as the technology used for large population databases (ExAC, gnomAD, ESP, 1000G) may not detect variants of this type. To our knowledge, no occurrence of c.2990_3971dup982 in individuals affected with Hereditary Breast and Ovarian Cancer and no experimental evidence demonstrating its impact on protein function have been reported. No clinical diagnostic laboratories have submitted clinical-significance assessments for this variant to ClinVar after 2014. Based on the evidence outlined above, the variant was classified as likely pathogenic.

NM_007294.4(BRCA1):c.2990_3971dup (p.Met1324delinsIleSerAlaArgGlyLysLeuTer)

Genes: BRCA1 (BRCA1 DNA repair associated; minus strand), LOC126862571 (BRD4-independent group 4 enhancer GRCh37_chr17:41243136-41244335; plus strand). Cytogenetic location: 17q21.31.
Variant type: Duplication.
Coding change: c.2990_3971dup on transcript NM_007294.4 (MANE Select); coding-DNA positions 2990 to 3971, 982 bases duplicated.
Protein change: p.Met1324delinsIleSerAlaArgGlyLysLeuTer.
Molecular consequence: nonsense. On other transcripts: intron variant (135), splice acceptor variant (2).
Genome position (GRCh38, 1-based): chr17:43,091,560-43,092,541, 982 bases duplicated. GRCh37 (hg19): chr17:41,243,577-41,244,558.
Other names: c.2849_3830dup, p.Met1277delinsIleSerAlaArgGlyLysLeuTer (NM_001407726.1, NM_001407727.1, NM_001407724.1 and 29 more transcripts); c.2777_3758dup, p.Met1253delinsIleSerAlaArgGlyLysLeuTer (NM_001407571.1, NM_001407853.1, NM_001407894.1 and 9 more transcripts); c.2990_3971dup, p.Met1324delinsIleSerAlaArgGlyLysLeuTer (NM_001407581.1, NM_001407582.1, NM_001407583.1 and 30 more transcripts); c.2987_3968dup, p.Met1323delinsIleSerAlaArgGlyLysLeuTer (NM_001407587.1, NM_001407590.1, NM_001407591.1 and 22 more transcripts); c.2981_3962dup, p.Met1321delinsIleSerAlaArgGlyLysLeuTer (NM_001407646.1, NM_001407647.1); c.2867_3848dup, p.Met1283delinsIleSerAlaArgGlyLysLeuTer (NM_001407648.1, NM_001407664.1, NM_001407665.1 and 19 more transcripts); c.2864_3845dup, p.Met1282delinsIleSerAlaArgGlyLysLeuTer (NM_001407649.1, NM_001407670.1, NM_001407671.1 and 11 more transcripts); c.2912_3893dup, p.Met1298delinsIleSerAlaArgGlyLysLeuTer (NM_001407653.1, NM_001407654.1, NM_001407655.1 and 4 more transcripts); and 41 more.
Identifiers: ClinVar variation 929247 (VCV000929247.2), dbSNP rs2053492284, ClinGen allele CA1139665610.